The following is an entry in ClinVar:

ClinVar aggregate classification (germline): Uncertain significance (1 of 4 stars; one submission).

Conditions:
Chuvash polycythemia. Also called: POLYCYTHEMIA, VHL-DEPENDENT. Identifiers: Orphanet 238557, MedGen C1837915, MONDO:0009892, OMIM 263400.
Von Hippel-Lindau syndrome (VHLS). Also called: von Hippel–Lindau syndrome; VHL syndrome; Von Hippel-Lindau. Identifiers: Orphanet 892, MedGen C0019562, MONDO:0008667, OMIM 193300. Disease mechanism: loss of function.

Submission:

Labcorp Genetics (formerly Invitae), Labcorp
Classification: Uncertain significance for Von Hippel-Lindau syndrome; Chuvash polycythemia. Last evaluated: 2025-12-23. Review status: criteria provided, single submitter. Criteria: Invitae Variant Classification Sherloc (09022015). Collection method: clinical testing. Allele origin: germline.
Comment: This sequence change falls in intron 1 of the VHL gene. It is not expected to change the encoded amino acid sequence of the VHL protein. However, this sequence change falls within a cryptic exon in the VHL gene, known as exon E1’, which is naturally expressed at low levels in several human tissues (PMID: 29891534). This variant is not present in population databases (gnomAD no frequency). This variant has not been reported in the literature in individuals affected with VHL-related conditions. Algorithms developed to predict the effect of sequence changes on RNA splicing suggest that this variant is not likely to affect RNA splicing. In summary, the available evidence is currently insufficient to determine the role of this variant in disease. Therefore, it has been classified as a Variant of Uncertain Significance.

Literature cited by the submitters: PubMed 29891534.

NM_000551.4(VHL):c.340+699C>G

Genes: VHL (von Hippel-Lindau tumor suppressor; plus strand), LOC107303340 (3p25 von Hippel-Lindau tumor suppressor, E3 ubiquitin protein ligase Alu-mediated recombination region; plus strand). Cytogenetic location: 3p25.3.
Variant type: single nucleotide variant.
Coding change: c.340+699C>G on transcript NM_000551.4 (MANE Select); 699 bases into the intron after coding-DNA position 340, C replaced by G.
Molecular consequence: intron variant. On other transcripts: missense variant (1), non-coding transcript variant (1).
Genome position (GRCh38, 1-based): chr3:10,142,886, C>G. VCF-style: chr3-10142886-C-G. GRCh37 (hg19) VCF-style: chr3-10184570-C-G.
Other names: c.464C>G, p.Ala155Gly (NM_001354723.2); c.340+699C>G (NM_198156.3); short protein forms A155G.
Identifiers: ClinVar variation 4793030 (VCV004793030.1).